The following is an entry in ClinVar:

ClinVar aggregate classification (germline): Uncertain significance. Review status: criteria provided, multiple submitters, no conflicts (2 of 4 stars). 2 submissions from 2 submitters: Uncertain significance (2). Last evaluated 2023-07-25.

Conditions:
Inborn genetic diseases. Identifiers: MedGen C0950123, MeSH D030342.

Allele frequency attached by ClinVar (database versions not stated): gnomAD 0.00003; gnomAD exomes 0.00005 and 0.00011; ExAC 0.00012; 1000 Genomes Project 30x 0.00016; 1000 Genomes Project 0.00020.
gnomAD v4.1: 72 of 1,614,078 alleles (0.0045%); highest among the groups gnomAD compares: South Asian, 0.078%; 1 homozygote.

Submissions (2):

Ambry Genetics
Classification: Uncertain significance for Inborn genetic diseases. Last evaluated: 2023-07-25. Review status: criteria provided, single submitter. Criteria: Ambry Variant Classification Scheme 2023. Collection method: clinical testing. Allele origin: germline.

Labcorp Genetics (formerly Invitae), Labcorp
Classification: Uncertain significance. Last evaluated: 2021-11-10. Review status: criteria provided, single submitter. Criteria: Invitae Variant Classification Sherloc (09022015). Collection method: clinical testing. Allele origin: germline.
Comment: This sequence change replaces serine, which is neutral and polar, with phenylalanine, which is neutral and non-polar, at codon 2476 of the FREM2 protein (p.Ser2476Phe). This variant is present in population databases (rs574419341, gnomAD 0.09%). This variant has not been reported in the literature in individuals affected with FREM2-related conditions. Algorithms developed to predict the effect of missense changes on protein structure and function are either unavailable or do not agree on the potential impact of this missense change (SIFT: "Deleterious"; PolyPhen-2: "Probably Damaging"; Align-GVGD: "Class C0"). In summary, the available evidence is currently insufficient to determine the role of this variant in disease. Therefore, it has been classified as a Variant of Uncertain Significance.

NM_207361.6(FREM2):c.7427C>T (p.Ser2476Phe)

Gene: FREM2 (FRAS1 related extracellular matrix 2; plus strand). Cytogenetic location: 13q13.3.
Variant type: single nucleotide variant.
Coding change: c.7427C>T on transcript NM_207361.6 (MANE Select); coding-DNA position 7427, C replaced by T.
Protein change: p.Ser2476Phe; replaces serine 2476 with phenylalanine.
Molecular consequence: missense variant.
Genome position (GRCh38, 1-based): chr13:38,859,498, C>T. VCF-style: chr13-38859498-C-T. GRCh37 (hg19) VCF-style: chr13-39433635-C-T.
Other names: c.7427C>T (NM_207361.4); short protein forms S2476F.
Identifiers: ClinVar variation 1388873 (VCV001388873.4), dbSNP rs574419341, ClinGen allele CA6955854.